The following is an entry in ClinVar:

NM_004082.5(DCTN1):c.3751T>G (p.Ser1251Ala)

Gene: DCTN1 (dynactin subunit 1; minus strand). Cytogenetic location: 2p13.1.
Variant type: single nucleotide variant.
Coding change: c.3751T>G on transcript NM_004082.5 (MANE Select); coding-DNA position 3751, T replaced by G.
Protein change: p.Ser1251Ala; replaces serine 1251 with alanine.
Molecular consequence: missense variant. On other transcripts: non-coding transcript variant (1).
Genome position (GRCh38, 1-based): chr2:74,361,585, A>C on the plus strand (T>G on the coding strand, the complement: DCTN1 is on the minus strand). VCF-style: chr2-74361585-A-C. GRCh37 (hg19) VCF-style: chr2-74588712-A-C.
Other names: c.3676T>G, p.Ser1226Ala (NM_001135040.3); c.3334T>G, p.Ser1112Ala (NM_001135041.3); c.3625T>G, p.Ser1209Ala (NM_001190836.2); c.3730T>G, p.Ser1244Ala (NM_001190837.2); c.3700T>G, p.Ser1234Ala (NM_001378991.1); c.3682T>G, p.Ser1228Ala (NM_001378992.1); c.3349T>G, p.Ser1117Ala (NM_023019.4); short protein forms S1226A, S1112A, S1117A, S1209A, S1228A, S1234A, S1251A, S1244A.
Identifiers: ClinVar variation 1417346 (VCV001417346.6), dbSNP rs766778493, ClinGen allele CA1721356.

ClinVar aggregate classification (germline): Uncertain significance (1 of 4 stars; one submission).

Conditions:
Amyotrophic lateral sclerosis type 1 (ALS1). Also called: AMYOTROPHIC LATERAL SCLEROSIS 1, FAMILIAL. Identifiers: Orphanet 803, MedGen C1862939, MONDO:0007103, OMIM 105400.
Perry syndrome. Also called: PARKINSONISM WITH ALVEOLAR HYPOVENTILATION AND MENTAL DEPRESSION. Identifiers: Orphanet 178509, MedGen C1868594, MONDO:0008201, OMIM 168605.
Neuronopathy, distal hereditary motor, type 7B. Also called: LOWER MOTOR NEURON DISEASE, DYNACTIN TYPE; HMN VIIB; Distal Hereditary Motor Neuronopathy Type 7B (dHMN7B); NEURONOPATHY, DISTAL HEREDITARY MOTOR, AUTOSOMAL DOMINANT 14; NEURONOPATHY, DISTAL HEREDITARY MOTOR, HARDING TYPE VIIB; NEUROPATHY, DISTAL HEREDITARY MOTOR, HARDING TYPE VIIB. Identifiers: Orphanet 139589, MedGen C1843315, MONDO:0011879, OMIM 607641.

Allele frequency attached by ClinVar (database versions not stated): gnomAD exomes below 0.00001 and 0.00001; ExAC 0.00001.
gnomAD v4.1: 4 of 1,614,140 alleles (0.00025%); highest among the groups gnomAD compares: Non-Finnish European, 0.00034%; no homozygotes.

Submission:

Labcorp Genetics (formerly Invitae), Labcorp
Classification: Uncertain significance for Amyotrophic lateral sclerosis type 1; Neuronopathy, distal hereditary motor, type 7B; Perry syndrome. Last evaluated: 2024-10-27. Review status: criteria provided, single submitter. Criteria: Invitae Variant Classification Sherloc (09022015). Collection method: clinical testing. Allele origin: germline.
Comment: This sequence change replaces serine, which is neutral and polar, with alanine, which is neutral and non-polar, at codon 1251 of the DCTN1 protein (p.Ser1251Ala). This variant is present in population databases (rs766778493, gnomAD 0.0009%). This variant has not been reported in the literature in individuals affected with DCTN1-related conditions. ClinVar contains an entry for this variant (Variation ID: 1417346). Invitae Evidence Modeling of protein sequence and biophysical properties (such as structural, functional, and spatial information, amino acid conservation, physicochemical variation, residue mobility, and thermodynamic stability) indicates that this missense variant is not expected to disrupt DCTN1 protein function with a negative predictive value of 95%. In summary, the available evidence is currently insufficient to determine the role of this variant in disease. Therefore, it has been classified as a Variant of Uncertain Significance.